The following is an entry in ClinVar:

ClinVar aggregate classification (germline): Uncertain significance (1 of 4 stars; one submission).

Allele frequency attached by ClinVar (database versions not stated): gnomAD exomes below 0.00001; gnomAD 0.00001.

Submission:

Labcorp Genetics (formerly Invitae), Labcorp
Classification: Uncertain significance. Last evaluated: 2025-06-23. Review status: criteria provided, single submitter. Criteria: Invitae Variant Classification Sherloc (09022015). Collection method: clinical testing. Allele origin: germline.
Comment: This sequence change replaces glycine, which is neutral and non-polar, with serine, which is neutral and polar, at codon 846 of the LCT protein (p.Gly846Ser). This variant is present in population databases (no rsID available, gnomAD 0.003%). This variant has not been reported in the literature in individuals affected with LCT-related conditions. ClinVar contains an entry for this variant (Variation ID: 1372489). An algorithm developed to predict the effect of missense changes on protein structure and function outputs the following: PolyPhen-2: "Possibly Damaging". The serine amino acid residue is found in multiple mammalian species, which suggests that this missense change does not adversely affect protein function. In summary, the available evidence is currently insufficient to determine the role of this variant in disease. Therefore, it has been classified as a Variant of Uncertain Significance.

NM_002299.4(LCT):c.2536G>A (p.Gly846Ser)

Gene: LCT (lactase; minus strand). Cytogenetic location: 2q21.3.
Variant type: single nucleotide variant.
Coding change: c.2536G>A on transcript NM_002299.4 (MANE Select); coding-DNA position 2536, G replaced by A.
Protein change: p.Gly846Ser; replaces glycine 846 with serine.
Molecular consequence: missense variant.
Genome position (GRCh38, 1-based): chr2:135,809,811, C>T on the plus strand (G>A on the coding strand, the complement: LCT is on the minus strand). VCF-style: chr2-135809811-C-T. GRCh37 (hg19) VCF-style: chr2-136567381-C-T.
Other names: short protein forms G846S.
Identifiers: ClinVar variation 1372489 (VCV001372489.8), dbSNP rs1040961897, ClinGen allele CA56614067.